The following is an entry in ClinVar:

NM_000465.4(BARD1):c.130C>G (p.Leu44Val)

Gene: BARD1 (BRCA1 associated RING domain 1; minus strand). Cytogenetic location: 2q35.
Variant type: single nucleotide variant.
Coding change: c.130C>G on transcript NM_000465.4 (MANE Select); coding-DNA position 130, C replaced by G.
Protein change: p.Leu44Val; replaces leucine 44 with valine.
Molecular consequence: missense variant. On other transcripts: non-coding transcript variant (3).
Genome position (GRCh38, 1-based): chr2:214,809,440, G>C on the plus strand (C>G on the coding strand, the complement: BARD1 is on the minus strand). VCF-style: chr2-214809440-G-C. GRCh37 (hg19) VCF-style: chr2-215674164-G-C.
Other names: c.130C>G, p.Leu44Val (NM_001282543.2, NM_001282545.2, NM_001282548.2 and 1 more transcripts); short protein forms L44V.
Identifiers: ClinVar variation 230846 (VCV000230846.23), dbSNP rs876658807, ClinGen allele CA10577861.
Genomic context (GRCh38, chr2:214,809,440, plus strand): 5'-TCGCAGCCACCCCCAAGAAGCTCCGTCTTTACCAACGCGAGCAGCGCAGCAGCTTCTCCA[G>C]GCGGTCGAGCGCGGCGCGACTGTGGGCCCAGGCACCGCGACCATCCGGTTCCATGGCGGG-3'
Protein context (NP_000456.2, residues 34-54): WAHSRAALDR[Leu44Val]EKLLRCSRCT

ClinVar aggregate classification (germline): Uncertain significance. Review status: criteria provided, multiple submitters, no conflicts (2 of 4 stars). 4 submissions from 4 submitters: Uncertain significance (4). Last evaluated 2025-03-10.

Conditions:
Hereditary cancer-predisposing syndrome. Also called: Neoplastic Syndromes, Hereditary; Tumor predisposition; Hereditary Cancer Syndrome; Hereditary neoplastic syndrome. Identifiers: Orphanet 140162, MedGen C0027672, MeSH D009386, MONDO:0015356.
Familial cancer of breast. Also called: BREAST CANCER, FAMILIAL; hereditary breast carcinoma; Hereditary breast cancer. Identifiers: Orphanet 227535, MedGen C0346153, MONDO:0016419, OMIM 114480. Disease mechanism: loss of function.

Allele frequency attached by ClinVar (database versions not stated): TOPMed 0.00002.
gnomAD v4.1: 5 of 1,612,140 alleles (0.00031%); highest among the groups gnomAD compares: Admixed American, 0.0083%; no homozygotes.

Submissions (4):

Quest Diagnostics Nichols Institute San Juan Capistrano
Classification: Uncertain significance. Last evaluated: 2025-03-10. Review status: criteria provided, single submitter. Criteria: Quest Diagnostics criteria. Collection method: clinical testing. Allele origin: unknown.
Comment: The BARD1 c.130C>G (p.Leu44Val) variant has not been reported in individuals with BARD1-related conditions in the published literature. The frequency of this variant in the general population (Genome Aggregation Database) is uninformative in the assessment of its pathogenicity. Analysis of this variant using bioinformatics tools for the prediction of the effect of amino acid changes on protein structure and function yielded conflicting predictions that this variant is benign or damaging. Based on the available information, we are unable to determine the clinical significance of this variant.

Labcorp Genetics (formerly Invitae), Labcorp
Classification: Uncertain significance for Familial cancer of breast. Last evaluated: 2024-08-24. Review status: criteria provided, single submitter. Criteria: Invitae Variant Classification Sherloc (09022015). Collection method: clinical testing. Allele origin: germline.
Comment: This sequence change replaces leucine, which is neutral and non-polar, with valine, which is neutral and non-polar, at codon 44 of the BARD1 protein (p.Leu44Val). This variant is present in population databases (no rsID available, gnomAD 0.01%). This variant has not been reported in the literature in individuals affected with BARD1-related conditions. ClinVar contains an entry for this variant (Variation ID: 230846). An algorithm developed to predict the effect of missense changes on protein structure and function (PolyPhen-2) suggests that this variant is likely to be disruptive. In summary, the available evidence is currently insufficient to determine the role of this variant in disease. Therefore, it has been classified as a Variant of Uncertain Significance.

Color Diagnostics, LLC DBA Color Health
Classification: Uncertain significance for Hereditary cancer-predisposing syndrome. Last evaluated: 2023-12-05. Review status: criteria provided, single submitter. Criteria: ACMG Guidelines, 2015. Collection method: clinical testing. Allele origin: germline.
Comment: This missense variant replaces leucine with valine at codon 44 of the BARD1 protein. Computational prediction suggests that this variant may not impact protein structure and function (internally defined REVEL score threshold <= 0.5, PMID: 27666373). To our knowledge, functional studies have not been reported for this variant. This variant has not been reported in individuals affected with BARD1-related disorders in the literature. This variant has been identified in 5/241684 chromosomes in the general population by the Genome Aggregation Database (gnomAD). The available evidence is insufficient to determine the role of this variant in disease conclusively. Therefore, this variant is classified as a Variant of Uncertain Significance.

Ambry Genetics
Classification: Uncertain significance for Hereditary cancer-predisposing syndrome. Last evaluated: 2023-04-07. Review status: criteria provided, single submitter. Criteria: Ambry Variant Classification Scheme 2023. Collection method: clinical testing. Allele origin: germline.
Comment: The p.L44V variant (also known as c.130C>G), located in coding exon 1 of the BARD1 gene, results from a C to G substitution at nucleotide position 130. The leucine at codon 44 is replaced by valine, an amino acid with highly similar properties. This amino acid position is highly conserved in available vertebrate species. In addition, the in silico prediction for this alteration is inconclusive. Since supporting evidence is limited at this time, the clinical significance of this alteration remains unclear.